The following is an entry in ClinVar:

NM_000890.5(KCNJ5):c.799C>T (p.Arg267Cys)

Gene: KCNJ5 (potassium inwardly rectifying channel subfamily J member 5; plus strand). Cytogenetic location: 11q24.3.
Variant type: single nucleotide variant.
Coding change: c.799C>T on transcript NM_000890.5 (MANE Select); coding-DNA position 799, C replaced by T.
Protein change: p.Arg267Cys; replaces arginine 267 with cysteine.
Molecular consequence: missense variant.
Genome position (GRCh38, 1-based): chr11:128,912,072, C>T. VCF-style: chr11-128912072-C-T. GRCh37 (hg19) VCF-style: chr11-128781967-C-T.
Other names: c.799C>T, p.Arg267Cys (NM_001354169.2); short protein forms R267C.
Identifiers: ClinVar variation 1761545 (VCV001761545.3), dbSNP rs755436659, ClinGen allele CA6357944.

ClinVar aggregate classification (germline): Uncertain significance. Review status: criteria provided, multiple submitters, no conflicts (2 of 4 stars). 2 submissions from 2 submitters: Uncertain significance (2). Last evaluated 2025-11-16.

Conditions:
Cardiovascular phenotype. Identifiers: MedGen CN230736.
Long QT syndrome (LQTS). Identifiers: MedGen C0023976, MeSH D008133, MONDO:0002442. Disease mechanism: loss of function. Inheritance: Various modes of inheritance.

Allele frequency attached by ClinVar (database versions not stated): gnomAD exomes below 0.00001; ExAC 0.00001; gnomAD 0.00002; TOPMed 0.00002.
gnomAD v4.1: 8 of 1,613,808 alleles (0.0005%); highest among the groups gnomAD compares: Non-Finnish European, 0.00059%; no homozygotes.

Submissions (2):

Labcorp Genetics (formerly Invitae), Labcorp
Classification: Uncertain significance for Long QT syndrome. Last evaluated: 2025-11-16. Review status: criteria provided, single submitter. Criteria: Invitae Variant Classification Sherloc (09022015). Collection method: clinical testing. Allele origin: germline.
Comment: This sequence change replaces arginine, which is basic and polar, with cysteine, which is neutral and slightly polar, at codon 267 of the KCNJ5 protein (p.Arg267Cys). The frequency data for this variant in the population databases is considered unreliable, as metrics indicate poor data quality at this position in the gnomAD database. This variant has not been reported in the literature in individuals affected with KCNJ5-related conditions. ClinVar contains an entry for this variant (Variation ID: 1761545). Invitae Evidence Modeling of protein sequence and biophysical properties (such as structural, functional, and spatial information, amino acid conservation, physicochemical variation, residue mobility, and thermodynamic stability) indicates that this missense variant is not expected to disrupt KCNJ5 protein function with a negative predictive value of 80%. In summary, the available evidence is currently insufficient to determine the role of this variant in disease. Therefore, it has been classified as a Variant of Uncertain Significance.

Ambry Genetics
Classification: Uncertain significance for Cardiovascular phenotype. Last evaluated: 2024-01-23. Review status: criteria provided, single submitter. Criteria: Ambry Variant Classification Scheme 2023. Collection method: clinical testing. Allele origin: germline.
Comment: The p.R267C variant (also known as c.799C>T), located in coding exon 1 of the KCNJ5 gene, results from a C to T substitution at nucleotide position 799. The arginine at codon 267 is replaced by cysteine, an amino acid with highly dissimilar properties. This amino acid position is conserved. In addition, this alteration is predicted to be deleterious by in silico analysis. Since supporting evidence is limited at this time, the clinical significance of this alteration remains unclear.